The following is an entry in ClinVar:

NM_001100.4(ACTA1):c.890C>T (p.Ala297Val)

Gene: ACTA1 (actin alpha 1, skeletal muscle; minus strand). Cytogenetic location: 1q42.13.
Variant type: single nucleotide variant.
Coding change: c.890C>T on transcript NM_001100.4 (MANE Select); coding-DNA position 890, C replaced by T.
Protein change: p.Ala297Val; replaces alanine 297 with valine.
Molecular consequence: missense variant.
Genome position (GRCh38, 1-based): chr1:229,431,821, G>A on the plus strand (C>T on the coding strand, the complement: ACTA1 is on the minus strand). VCF-style: chr1-229431821-G-A. GRCh37 (hg19) VCF-style: chr1-229567568-G-A.
Other names: short protein forms A297V.
Identifiers: ClinVar variation 3652987 (VCV003652987.2).

ClinVar aggregate classification (germline): Uncertain significance (1 of 4 stars; one submission).

Conditions:
Actin accumulation myopathy (CMYO2A). Also called: Myopathy, actin, congenital, with cores; Nemaline myopathy 3, with intranuclear rods; Nemaline myopathy type 3; Myopathy, actin, congenital, with excess of thin myofilaments; CONGENITAL MYOPATHY 2A, TYPICAL, AUTOSOMAL DOMINANT. Identifiers: Orphanet 98904, MedGen C3711389, MONDO:0008070, OMIM 161800.

Submission:

Labcorp Genetics (formerly Invitae), Labcorp
Classification: Uncertain significance for Actin accumulation myopathy. Last evaluated: 2024-05-10. Review status: criteria provided, single submitter. Criteria: Invitae Variant Classification Sherloc (09022015). Collection method: clinical testing. Allele origin: germline.
Comment: This sequence change replaces alanine, which is neutral and non-polar, with valine, which is neutral and non-polar, at codon 297 of the ACTA1 protein (p.Ala297Val). This variant is not present in population databases (gnomAD no frequency). This variant has not been reported in the literature in individuals affected with ACTA1-related conditions. Advanced modeling of protein sequence and biophysical properties (such as structural, functional, and spatial information, amino acid conservation, physicochemical variation, residue mobility, and thermodynamic stability) performed at Invitae indicates that this missense variant is not expected to disrupt ACTA1 protein function with a negative predictive value of 80%. In summary, the available evidence is currently insufficient to determine the role of this variant in disease. Therefore, it has been classified as a Variant of Uncertain Significance.